The following is an entry in ClinVar:

ClinVar aggregate classification (germline): Uncertain significance (1 of 4 stars; one submission).

Conditions:
Cohen syndrome (COH1). Also called: PEPPER SYNDROME; Cutis verticis gyrata, retinitis pigmentosa, and sensorineural deafness. Identifiers: Orphanet 193, MedGen C0265223, MONDO:0008999, OMIM 216550.

gnomAD v4.1: 2 of 1,614,102 alleles (0.00012%); highest among the groups gnomAD compares: African/African-American, 0.0027%; no homozygotes.

Submission:

Labcorp Genetics (formerly Invitae), Labcorp
Classification: Uncertain significance for Cohen syndrome. Last evaluated: 2023-03-14. Review status: criteria provided, single submitter. Criteria: Invitae Variant Classification Sherloc (09022015). Collection method: clinical testing. Allele origin: germline.
Comment: In summary, the available evidence is currently insufficient to determine the role of this variant in disease. Therefore, it has been classified as a Variant of Uncertain Significance. Advanced modeling of protein sequence and biophysical properties (such as structural, functional, and spatial information, amino acid conservation, physicochemical variation, residue mobility, and thermodynamic stability) performed at Invitae indicates that this missense variant is expected to disrupt VPS13B protein function. This variant has not been reported in the literature in individuals affected with VPS13B-related conditions. This variant is not present in population databases (gnomAD no frequency). This sequence change replaces methionine, which is neutral and non-polar, with leucine, which is neutral and non-polar, at codon 706 of the VPS13B protein (p.Met706Leu).

NM_152564.5(VPS13B):c.2116A>T (p.Met706Leu)

Gene: VPS13B (vacuolar protein sorting 13 homolog B; plus strand). Cytogenetic location: 8q22.2.
Variant type: single nucleotide variant.
Coding change: c.2116A>T on transcript NM_152564.5 (MANE Select); coding-DNA position 2116, A replaced by T.
Protein change: p.Met706Leu; replaces methionine 706 with leucine.
Molecular consequence: missense variant.
Genome position (GRCh38, 1-based): chr8:99,156,651, A>T. VCF-style: chr8-99156651-A-T. GRCh37 (hg19) VCF-style: chr8-100168879-A-T.
Other names: c.2116A>T, p.Met706Leu (NM_015243.3, NM_017890.5); short protein forms M706L.
Identifiers: ClinVar variation 2895559 (VCV002895559.3), dbSNP rs751897986, ClinGen allele CA371865058.